The following is an entry in ClinVar:

NM_004360.5(CDH1):c.163+29142_164-30404del

Genes: CDH1 (cadherin 1; plus strand), LOC128772407 (melanoma risk locus-associated MPRA allelic enhancer 16:68803726; plus strand), LOC128849170 (melanoma risk locus-associated MPRA allelic enhancers 16:68802068 and 16:68802072; plus strand). Cytogenetic location: 16q22.1.
Variant type: Deletion.
Coding change: c.163+29142_164-30404del on transcript NM_004360.5 (MANE Select); 29142 bases into the intron after coding-DNA position 163 through 30404 bases into the intron before coding-DNA position 164, 3,714 bases deleted.
Molecular consequence: intron variant.
Genome position (GRCh38, 1-based): chr16:68,767,553-68,771,266, 3,714 bases deleted. GRCh37 (hg19): chr16:68,801,456-68,805,169.
Other names: c.-1453+29142_-1452-30404del (NM_001317185.2); c.-1657+29142_-1656-30404del (NM_001317186.2); c.163+29142_164-30404del (NM_001317184.2).
Identifiers: ClinVar variation 2503023 (VCV002503023.1), ClinGen allele CA2580613894.

ClinVar aggregate classification (germline): Uncertain significance (1 of 4 stars; one submission).

Conditions:
Hereditary diffuse gastric adenocarcinoma (HDGC). Also called: DIFFUSE GASTRIC AND LOBULAR BREAST CANCER SYNDROME. Identifiers: Orphanet 26106, MedGen C1708349, MONDO:0007648, OMIM 137215.

Submission:

European Reference Network on Genetic Tumour Risk Syndromes (ERN-GENTURIS), i3s - Instituto de Investigação e Inovação em Saúde, University of Porto
Classification: Uncertain significance for Hereditary diffuse gastric adenocarcinoma. Last evaluated: 2022-08-01. Review status: criteria provided, single submitter. Criteria: Lee et al. (Hum Mutat. 2018). Collection method: clinical testing. Allele origin: germline. Inheritance: Autosomal dominant inheritance. Affected: no. Study: ERN GENTURIS.
Comment: PM2 (PMID: 30311375)

Literature cited by the submitters: PubMed 36436516.